The following is an entry in ClinVar:

ClinVar aggregate classification (germline): Uncertain significance (1 of 4 stars; one submission).

Submission:

Labcorp Genetics (formerly Invitae), Labcorp
Classification: Uncertain significance. Last evaluated: 2021-08-11. Review status: criteria provided, single submitter. Criteria: Invitae Variant Classification Sherloc (09022015). Collection method: clinical testing. Allele origin: germline.
Comment: This variant, c.11505_11510dup, results in the insertion of 2 amino acid(s) to the ZNF469 protein (p.Lys3835_Pro3836dup), but otherwise preserves the integrity of the reading frame. This variant is not present in population databases (ExAC no frequency). This variant has not been reported in the literature in individuals affected with ZNF469-related conditions. Experimental studies and prediction algorithms are not available or were not evaluated, and the functional significance of this variant is currently unknown. In summary, the available evidence is currently insufficient to determine the role of this variant in disease. Therefore, it has been classified as a Variant of Uncertain Significance.

NM_001367624.2(ZNF469):c.11583GCCCAA[3] (p.3861KP[3])

Gene: ZNF469 (zinc finger protein 469; plus strand). Cytogenetic location: 16q24.2.
Variant type: Microsatellite.
Coding change: c.11583GCCCAA[3] on transcript NM_001367624.2 (MANE Select); three copies in a row of the 6-base unit GCCCAA starting at c.11583; the reference has two copies in a row; one copy, 6 bases duplicated.
Protein change: p.3861KP[3].
Molecular consequence: inframe insertion.
Genome position (GRCh38, 1-based): chr16:88,439,059-88,439,064, GCCCAA duplicated; duplicating any 6 consecutive bases within chr16:88,439,049-88,439,064 gives the same sequence; the position shown is the placement nearest the transcript's 3' end. VCF-style (leftmost placement, unchanged base first): chr16-88439048-A-ACCAAGC. GRCh37 (hg19) VCF-style: chr16-88505456-A-ACCAAGC.
Identifiers: ClinVar variation 1497672 (VCV001497672.3), dbSNP rs1311706347, ClinGen allele CA497359507.